The following is an entry in ClinVar:

NM_182914.3(SYNE2):c.3279A>G (p.Ser1093=)

Gene: SYNE2 (spectrin repeat containing nuclear envelope protein 2; plus strand). Cytogenetic location: 14q23.2.
Variant type: single nucleotide variant.
Coding change: c.3279A>G on transcript NM_182914.3 (MANE Select); coding-DNA position 3279, A replaced by G.
Protein change: p.Ser1093=; no amino-acid change (serine 1093 retained).
Molecular consequence: synonymous variant.
Genome position (GRCh38, 1-based): chr14:63,998,254, A>G. VCF-style: chr14-63998254-A-G. GRCh37 (hg19) VCF-style: chr14-64464972-A-G.
Other names: c.3279A>G, p.Ser1093= (NM_015180.6); c.3279A>G (NM_182914.2).
Identifiers: ClinVar variation 2157576 (VCV002157576.6), dbSNP rs750383672, ClinGen allele CA7219918.

ClinVar aggregate classification (germline): Likely benign. Review status: criteria provided, single submitter (1 of 4 stars). 2 submissions from 2 submitters: Likely benign (1). 1 of the submissions does not count toward it. Last evaluated 2022-04-08.

Conditions:
SYNE2-related disorder. Also called: SYNE2-related condition.
Emery-Dreifuss muscular dystrophy 5, autosomal dominant (EDMD5). Also called: EMERY-DREIFUSS MUSCULAR DYSTROPHY 5. Identifiers: Orphanet 261, MedGen C2751805, MONDO:0013072, OMIM 612999.

Allele frequency attached by ClinVar (database versions not stated): ExAC 0.00001; gnomAD 0.00001; TOPMed 0.00001; gnomAD exomes 0.00002.
gnomAD v4.1: 13 of 1,613,922 alleles (0.00081%); highest among the groups gnomAD compares: African/African-American, 0.0013%; no homozygotes.

Submissions (2):

Labcorp Genetics (formerly Invitae), Labcorp
Classification: Likely benign for Emery-Dreifuss muscular dystrophy 5, autosomal dominant. Last evaluated: 2022-04-08. Review status: criteria provided, single submitter. Criteria: Invitae Variant Classification Sherloc (09022015). Collection method: clinical testing. Allele origin: germline.

PreventionGenetics, part of Exact Sciences
Classification: Likely benign for SYNE2-related condition. Last evaluated: 2021-11-10. Review status: no assertion criteria provided. Collection method: clinical testing. Allele origin: germline. Not counted in ClinVar's aggregate classification.
Comment: This variant is classified as likely benign based on ACMG/AMP sequence variant interpretation guidelines (Richards et al. 2015 PMID: 25741868, with internal and published modifications).